The following is an entry in ClinVar:

NM_023110.3(FGFR1):c.2344G>A (p.Asp782Asn)

Gene: FGFR1 (fibroblast growth factor receptor 1; minus strand). Cytogenetic location: 8p11.23.
Variant type: single nucleotide variant.
Coding change: c.2344G>A on transcript NM_023110.3 (MANE Select); coding-DNA position 2344, G replaced by A.
Protein change: p.Asp782Asn; replaces aspartic acid 782 with asparagine.
Molecular consequence: missense variant. On other transcripts: intron variant (3).
Genome position (GRCh38, 1-based): chr8:38,413,753, C>T on the plus strand (G>A on the coding strand, the complement: FGFR1 is on the minus strand). VCF-style: chr8-38413753-C-T. GRCh37 (hg19) VCF-style: chr8-38271271-C-T.
Other names: c.2344G>A, p.Asp782Asn (NM_000604.2); c.2338G>A, p.Asp780Asn (NM_001174063.2, NM_001174065.2, NM_015850.4); c.2314G>A, p.Asp772Asn (NM_001174064.2); c.2077G>A, p.Asp693Asn (NM_001174066.2, NM_023105.3); c.2437G>A, p.Asp813Asn (NM_001174067.2); c.2065G>A, p.Asp689Asn (NM_001354368.2); c.2332G>A, p.Asp778Asn (NM_001410922.1); c.2071G>A, p.Asp691Asn (NM_023106.3); and 3 more; short protein forms D691N, D772N, D813N, D689N, D693N, D778N, D780N, D782N.
Identifiers: ClinVar variation 1963647 (VCV001963647.6), dbSNP rs776189467, ClinGen allele CA4718095.

ClinVar aggregate classification (germline): Uncertain significance. Review status: criteria provided, multiple submitters, no conflicts (2 of 4 stars). 2 submissions from 2 submitters: Uncertain significance (2). Last evaluated 2025-10-05.

Conditions:
Osteoglophonic dysplasia (OGD). Also called: Osteoglophonic dwarfism. Identifiers: Orphanet 2645, MedGen C0432283, MONDO:0008150, OMIM 166250.
Hartsfield-Bixler-Demyer syndrome (HRTFDS). Also called: Hartsfield syndrome; FGFR1-Related Hartsfield Syndrome; Holoprosencephaly, ectrodactyly, and bilateral cleft lip/palate. Identifiers: Orphanet 2117, MedGen C1845146, MONDO:0014196, OMIM 615465. Disease mechanism: loss of function.
Encephalocraniocutaneous lipomatosis (ECCL). Identifiers: Orphanet 2396, MedGen C0406612, MONDO:0013074, OMIM 613001.
Hypogonadotropic hypogonadism 2 with or without anosmia (HH2). Also called: HYPOGONADOTROPIC HYPOGONADISM 2 WITH OR WITHOUT ANOSMIA, SUSCEPTIBILITY TO; HYPOGONADOTROPIC HYPOGONADISM 2 WITHOUT ANOSMIA, SUSCEPTIBILITY TO; HYPOGONADOTROPIC HYPOGONADISM 2 WITHOUT ANOSMIA; FGFR1-Related GnRH Deficiency (Kallmann Syndrome 2). Identifiers: Orphanet 478, MedGen C1563720, MONDO:0007844, OMIM 147950. Disease mechanism: loss of function.
Jackson-Weiss syndrome (JWS). Also called: CRANIOSYNOSTOSIS, MIDFACIAL HYPOPLASIA, AND FOOT ABNORMALITIES. Identifiers: Orphanet 1540, MedGen C0795998, MONDO:0007400, OMIM 123150. Disease mechanism: loss of function.
Pfeiffer syndrome (ACS5). Also called: ACS V. Identifiers: Orphanet 710, MedGen C0220658, MONDO:0007043, OMIM 101600.
Trigonocephaly 1 (TRIGNO1). Identifiers: Orphanet 3366, MedGen C0432122, MONDO:0008603, OMIM 190440.

Allele frequency attached by ClinVar (database versions not stated): gnomAD exomes 0.00001; ExAC 0.00002; gnomAD 0.00002; TOPMed 0.00002.
gnomAD v4.1: 16 of 1,613,926 alleles (0.00099%); highest among the groups gnomAD compares: East Asian, 0.0022%; no homozygotes.

Submissions (2):

Labcorp Genetics (formerly Invitae), Labcorp
Classification: Uncertain significance for Pfeiffer syndrome; Hypogonadotropic hypogonadism 2 with or without anosmia. Last evaluated: 2025-10-05. Review status: criteria provided, single submitter. Criteria: Invitae Variant Classification Sherloc (09022015). Collection method: clinical testing. Allele origin: germline.
Comment: This sequence change replaces aspartic acid, which is acidic and polar, with asparagine, which is neutral and polar, at codon 782 of the FGFR1 protein (p.Asp782Asn). This variant is present in population databases (rs776189467, gnomAD 0.005%). This variant has not been reported in the literature in individuals affected with FGFR1-related conditions. ClinVar contains an entry for this variant (Variation ID: 1963647). Invitae Evidence Modeling of protein sequence and biophysical properties (such as structural, functional, and spatial information, amino acid conservation, physicochemical variation, residue mobility, and thermodynamic stability) has been performed for this missense variant. However, the output from this modeling did not meet the statistical confidence thresholds required to predict the impact of this variant on FGFR1 protein function. In summary, the available evidence is currently insufficient to determine the role of this variant in disease. Therefore, it has been classified as a Variant of Uncertain Significance.

Fulgent Genetics
Classification: Uncertain significance for Pfeiffer syndrome; Jackson-Weiss syndrome; Hypogonadotropic hypogonadism 2 with or without anosmia; Osteoglophonic dysplasia; Trigonocephaly 1; Encephalocraniocutaneous lipomatosis; Hartsfield-Bixler-Demyer syndrome. Last evaluated: 2024-04-13. Review status: criteria provided, single submitter. Criteria: ACMG Guidelines, 2015. Collection method: clinical testing. Allele origin: germline.